The following is an entry in ClinVar:

NM_000320.3(QDPR):c.421del (p.Leu141fs)

Gene: QDPR (quinoid dihydropteridine reductase; minus strand). Cytogenetic location: 4p15.32.
Variant type: Deletion.
Coding change: c.421del on transcript NM_000320.3 (MANE Select); coding-DNA position 421, one base deleted (C; older notation c.421delC).
Protein change: p.Leu141fs; shifts the reading frame from leucine 141.
Molecular consequence: frameshift variant. On other transcripts: non-coding transcript variant (1).
Genome position (GRCh38, 1-based): chr4:17,501,734, G deleted on the plus strand (C on the coding strand, the reverse complement: QDPR is on the minus strand); the first of 3 consecutive G bases (chr4:17,501,734-17,501,736); deleting any one gives the same sequence. VCF-style (leftmost placement, unchanged base first): chr4-17501733-AG-A. GRCh37 (hg19) VCF-style: chr4-17503356-AG-A.
Other names: c.328del, p.Leu110fs (NM_001306140.2); short protein forms L110fs, L141fs.
Identifiers: ClinVar variation 802059 (VCV000802059.5), dbSNP rs1577191558, ClinGen allele CA915944110.

ClinVar aggregate classification (germline): Pathogenic. Review status: criteria provided, multiple submitters, no conflicts (2 of 4 stars). 2 submissions from 2 submitters: Pathogenic (2). Last evaluated 2026-01-05.

Conditions:
Dihydropteridine reductase deficiency (HPABH4C). Also called: Hyperphenylalaninemia due to dihydropteridine reductase deficiency; Hyperphenylalaninemia, BH-4-deficient, C; Phenylketonuria type 2; QDPR DEFICIENCY; QUINOID DIHYDROPTERIDINE REDUCTASE DEFICIENCY; BH4-Deficient Hyperphenylalaninemia C. Identifiers: Orphanet 226, Orphanet 238583, MedGen C0268465, MONDO:0009862, OMIM 261630.

Submissions (2):

Labcorp Genetics (formerly Invitae), Labcorp
Classification: Pathogenic for Dihydropteridine reductase deficiency. Last evaluated: 2026-01-05. Review status: criteria provided, single submitter. Criteria: Invitae Variant Classification Sherloc (09022015). Collection method: clinical testing. Allele origin: germline.
Comment: This sequence change creates a premature translational stop signal (p.Leu141Trpfs*7) in the QDPR gene. It is expected to result in an absent or disrupted protein product. Loss-of-function variants in QDPR are known to be pathogenic (PMID: 7627180, 11153907). This variant is not present in population databases (gnomAD no frequency). This variant has not been reported in the literature in individuals affected with QDPR-related conditions. ClinVar contains an entry for this variant (Variation ID: 802059). For these reasons, this variant has been classified as Pathogenic.

Mendelics
Classification: Pathogenic for Dihydropteridine reductase deficiency. Last evaluated: 2019-05-28. Review status: criteria provided, single submitter. Criteria: Mendelics Assertion Criteria 2017. Collection method: clinical testing. Allele origin: unknown.

Literature cited by the submitters: PubMed 7627180 (cited by Labcorp Genetics (formerly Invitae), Labcorp); PubMed 11153907 (cited by Labcorp Genetics (formerly Invitae), Labcorp).